The following is an entry in ClinVar:

ClinVar aggregate classification (germline): Uncertain significance (1 of 4 stars; one submission).

Conditions:
Combined deficiency of sialidase AND beta galactosidase (GSL). Also called: GOLDBERG SYNDROME; NEURAMINIDASE DEFICIENCY WITH BETA-GALACTOSIDASE DEFICIENCY; NEURAMINIDASE/BETA-GALACTOSIDASE EXPRESSION; PPCA DEFICIENCY; PROTECTIVE PROTEIN/CATHEPSIN A DEFICIENCY; Galactosialidosis. Identifiers: Orphanet 351, MedGen C0268233, MONDO:0009737, OMIM 256540.

Submission:

Labcorp Genetics (formerly Invitae), Labcorp
Classification: Uncertain significance for Combined deficiency of sialidase AND beta galactosidase. Last evaluated: 2022-11-01. Review status: criteria provided, single submitter. Criteria: Invitae Variant Classification Sherloc (09022015). Collection method: clinical testing. Allele origin: germline.
Comment: Algorithms developed to predict the effect of sequence changes on RNA splicing suggest that this variant may create or strengthen a splice site. This sequence change replaces asparagine, which is neutral and polar, with aspartic acid, which is acidic and polar, at codon 381 of the CTSA protein (p.Asn381Asp). This variant is not present in population databases (gnomAD no frequency). This variant has not been reported in the literature in individuals affected with CTSA-related conditions. Algorithms developed to predict the effect of missense changes on protein structure and function are either unavailable or do not agree on the potential impact of this missense change (SIFT: "Not Available"; PolyPhen-2: "Benign"; Align-GVGD: "Not Available"). In summary, the available evidence is currently insufficient to determine the role of this variant in disease. Therefore, it has been classified as a Variant of Uncertain Significance.

NM_000308.4(CTSA):c.1087A>G (p.Asn363Asp)

Gene: CTSA (cathepsin A; plus strand). Cytogenetic location: 20q13.12.
Variant type: single nucleotide variant.
Coding change: c.1087A>G on transcript NM_000308.4 (MANE Select); coding-DNA position 1087, A replaced by G.
Protein change: p.Asn363Asp; replaces asparagine 363 with aspartic acid.
Molecular consequence: missense variant. On other transcripts: non-coding transcript variant (1).
Genome position (GRCh38, 1-based): chr20:45,895,132, A>G. VCF-style: chr20-45895132-A-G. GRCh37 (hg19) VCF-style: chr20-44523771-A-G.
Other names: c.1087A>G, p.Asn363Asp (NM_001127695.3); c.1036A>G, p.Asn346Asp (NM_001167594.3); short protein forms N363D, N346D.
Identifiers: ClinVar variation 2000604 (VCV002000604.4), dbSNP rs2515441535, ClinGen allele CA409252921.